The following is an entry in ClinVar:

ClinVar aggregate classification (germline): Uncertain significance. Review status: criteria provided, multiple submitters, no conflicts (2 of 4 stars). 3 submissions from 3 submitters: Uncertain significance (2). 1 of the submissions does not count toward it. Last evaluated 2024-11-22.

Conditions:
SLX4-related disorder. Also called: SLX4-related condition.
Fanconi anemia complementation group P. Also called: SLX4-Related Fanconi Anemia. Identifiers: Orphanet 84, MedGen C3469542, MONDO:0013499, OMIM 613951.
Fanconi anemia (FA). Also called: Fanconi's anemia. Identifiers: Orphanet 84, MedGen C0015625, MeSH D005199, MONDO:0019391.

Allele frequency attached by ClinVar (database versions not stated): gnomAD exomes below 0.00001; gnomAD 0.00001; TOPMed 0.00002.

Submissions (3):

Labcorp Genetics (formerly Invitae), Labcorp
Classification: Uncertain significance for Fanconi anemia. Last evaluated: 2024-11-22. Review status: criteria provided, single submitter. Criteria: Invitae Variant Classification Sherloc (09022015). Collection method: clinical testing. Allele origin: germline.
Comment: This sequence change replaces serine, which is neutral and polar, with glycine, which is neutral and non-polar, at codon 1002 of the SLX4 protein (p.Ser1002Gly). This variant is not present in population databases (gnomAD no frequency). This variant has not been reported in the literature in individuals affected with SLX4-related conditions. ClinVar contains an entry for this variant (Variation ID: 1441396). An algorithm developed to predict the effect of missense changes on protein structure and function outputs the following: PolyPhen-2: "Benign". The glycine amino acid residue is found in multiple mammalian species, which suggests that this missense change does not adversely affect protein function. Algorithms developed to predict the effect of sequence changes on RNA splicing suggest that this variant may create or strengthen a splice site. In summary, the available evidence is currently insufficient to determine the role of this variant in disease. Therefore, it has been classified as a Variant of Uncertain Significance.

Fulgent Genetics
Classification: Uncertain significance for Fanconi anemia complementation group P. Last evaluated: 2021-10-04. Review status: criteria provided, single submitter. Criteria: ACMG Guidelines, 2015. Collection method: clinical testing. Allele origin: unknown.

PreventionGenetics, part of Exact Sciences
Classification: Uncertain significance for SLX4-related condition. Last evaluated: 2024-05-29. Review status: no assertion criteria provided. Collection method: clinical testing. Allele origin: germline. Not counted in ClinVar's aggregate classification.
Comment: The SLX4 c.3004A>G variant is predicted to result in the amino acid substitution p.Ser1002Gly. To our knowledge, this variant has not been reported in the literature or in a large population database, indicating this variant is rare. At this time, the clinical significance of this variant is uncertain due to the absence of conclusive functional and genetic evidence.

NM_032444.4(SLX4):c.3004A>G (p.Ser1002Gly)

Gene: SLX4 (SLX4 structure-specific endonuclease subunit; minus strand). Cytogenetic location: 16p13.3.
Variant type: single nucleotide variant.
Coding change: c.3004A>G on transcript NM_032444.4 (MANE Select); coding-DNA position 3004, A replaced by G.
Protein change: p.Ser1002Gly; replaces serine 1002 with glycine.
Molecular consequence: missense variant.
Genome position (GRCh38, 1-based): chr16:3,590,634, T>C on the plus strand (A>G on the coding strand, the complement: SLX4 is on the minus strand). VCF-style: chr16-3590634-T-C. GRCh37 (hg19) VCF-style: chr16-3640635-T-C.
Other names: c.3004A>G (NM_032444.3); short protein forms S1002G.
Identifiers: ClinVar variation 1441396 (VCV001441396.10), dbSNP rs1047744954, ClinGen allele CA276959202.
Genomic context (GRCh38, chr16:3,590,634, plus strand): 5'-GGCGATGAGAAACCTCCAGCCCCCTTTCCCTGACAGCGCCACTTTGTTCCTCGGGCTCAC[T>C]TGTTATTTGGGACGGCTCTGAGATCTCTCCCTGAGTTGATGAGAAGAGCTGTTCGTAATC-3'
Protein context (NP_115820.2, residues 992-1012): GEISEPSQIT[Ser1002Gly]EPEEQSGAVR